The following is an entry in ClinVar:

NM_032119.4(ADGRV1):c.16826A>T (p.Asp5609Val)

Gene: ADGRV1 (adhesion G protein-coupled receptor V1; plus strand). Cytogenetic location: 5q14.3.
Variant type: single nucleotide variant.
Coding change: c.16826A>T on transcript NM_032119.4 (MANE Select); coding-DNA position 16826, A replaced by T.
Protein change: p.Asp5609Val; replaces aspartic acid 5609 with valine.
Molecular consequence: missense variant. On other transcripts: non-coding transcript variant (1).
Genome position (GRCh38, 1-based): chr5:90,840,792, A>T. VCF-style: chr5-90840792-A-T. GRCh37 (hg19) VCF-style: chr5-90136609-A-T.
Other names: short protein forms D5609V.
Identifiers: ClinVar variation 904315 (VCV000904315.5), dbSNP rs755988055, ClinGen allele CA3342235.

ClinVar aggregate classification (germline): Uncertain significance. Review status: criteria provided, multiple submitters, no conflicts (2 of 4 stars). 2 submissions from 2 submitters: Uncertain significance (2). Last evaluated 2022-07-11.

Conditions:
Usher syndrome type 2C. Also called: Usher syndrome, type 2B; USHER SYNDROME, TYPE IIC. Identifiers: Orphanet 231178, Orphanet 886, MedGen C2931213, MONDO:0011558, OMIM 605472.

Allele frequency attached by ClinVar (database versions not stated): gnomAD exomes below 0.00001 and 0.00001; ExAC 0.00001; gnomAD 0.00002; TOPMed 0.00002.
gnomAD v4.1: 23 of 1,613,840 alleles (0.0014%); highest among the groups gnomAD compares: Non-Finnish European, 0.0019%; no homozygotes.

Submissions (2):

Labcorp Genetics (formerly Invitae), Labcorp
Classification: Uncertain significance. Last evaluated: 2022-07-11. Review status: criteria provided, single submitter. Criteria: Invitae Variant Classification Sherloc (09022015). Collection method: clinical testing. Allele origin: germline.
Comment: This sequence change replaces aspartic acid, which is acidic and polar, with valine, which is neutral and non-polar, at codon 5609 of the ADGRV1 protein (p.Asp5609Val). This variant is present in population databases (rs755988055, gnomAD 0.002%). This variant has not been reported in the literature in individuals affected with ADGRV1-related conditions. ClinVar contains an entry for this variant (Variation ID: 904315). Algorithms developed to predict the effect of missense changes on protein structure and function are either unavailable or do not agree on the potential impact of this missense change (SIFT: "Deleterious"; PolyPhen-2: "Probably Damaging"; Align-GVGD: "Class C15"). In summary, the available evidence is currently insufficient to determine the role of this variant in disease. Therefore, it has been classified as a Variant of Uncertain Significance.

Illumina Laboratory Services, Illumina
Classification: Uncertain significance for Usher syndrome type 2C. Last evaluated: 2018-01-13. Review status: criteria provided, single submitter. Criteria: ICSL Variant Classification Criteria 13 December 2019. Collection method: clinical testing. Allele origin: germline.